The following is an entry in ClinVar:

NM_030777.4(SLC2A10):c.1204G>A (p.Ala402Thr)

Gene: SLC2A10 (solute carrier family 2 member 10; plus strand). Cytogenetic location: 20q13.12.
Variant type: single nucleotide variant.
Coding change: c.1204G>A on transcript NM_030777.4 (MANE Select); coding-DNA position 1204, G replaced by A.
Protein change: p.Ala402Thr; replaces alanine 402 with threonine.
Molecular consequence: missense variant.
Genome position (GRCh38, 1-based): chr20:46,726,240, G>A. VCF-style: chr20-46726240-G-A. GRCh37 (hg19) VCF-style: chr20-45354879-G-A.
Other names: short protein forms A402T.
Identifiers: ClinVar variation 626895 (VCV000626895.13), dbSNP rs147710229, ClinGen allele CA9892124.

ClinVar aggregate classification (germline): Conflicting classifications of pathogenicity. Review status: criteria provided, conflicting classifications (1 of 4 stars). 5 submissions from 5 submitters: Uncertain significance (4); Likely benign (1). Last evaluated 2026-05-07.

Conditions:
Familial thoracic aortic aneurysm and aortic dissection (TAAD). Also called: Thoracic aortic aneurysms and dissections. Identifiers: Orphanet 91387, MedGen C4707243, MONDO:0019625.
Arterial tortuosity syndrome (ATORS). Identifiers: Orphanet 3342, MedGen C1859726, MONDO:0008818, OMIM 208050.

Allele frequency attached by ClinVar (database versions not stated): gnomAD 0.00011 and 0.00009; ExAC 0.00003; TOPMed 0.00012; ESP Exome Variant Server 0.00015; gnomAD exomes 0.00004.
gnomAD v4.1: 55 of 1,613,606 alleles (0.0034%); highest among the groups gnomAD compares: African/African-American, 0.029%; no homozygotes.

Submissions (5):

Ambry Genetics
Classification: Likely benign for Familial thoracic aortic aneurysm and aortic dissection. Last evaluated: 2026-05-07. Review status: criteria provided, single submitter. Criteria: Ambry Variant Classification Scheme 2023. Collection method: clinical testing. Allele origin: germline.

GeneDx
Classification: Uncertain significance. Last evaluated: 2025-02-19. Review status: criteria provided, single submitter. Criteria: GeneDx Variant Classification Process June 2021. Collection method: clinical testing. Allele origin: germline. Affected: yes.
Comment: In silico analysis indicates that this missense variant does not alter protein structure/function; Has not been previously published as pathogenic or benign to our knowledge

Labcorp Genetics (formerly Invitae), Labcorp
Classification: Uncertain significance for Arterial tortuosity syndrome. Last evaluated: 2022-06-26. Review status: criteria provided, single submitter. Criteria: Invitae Variant Classification Sherloc (09022015). Collection method: clinical testing. Allele origin: germline.
Comment: This sequence change replaces alanine, which is neutral and non-polar, with threonine, which is neutral and polar, at codon 402 of the SLC2A10 protein (p.Ala402Thr). This variant is present in population databases (rs147710229, gnomAD 0.02%). This variant has not been reported in the literature in individuals affected with SLC2A10-related conditions. ClinVar contains an entry for this variant (Variation ID: 626895). Advanced modeling of protein sequence and biophysical properties (such as structural, functional, and spatial information, amino acid conservation, physicochemical variation, residue mobility, and thermodynamic stability) performed at Invitae indicates that this missense variant is not expected to disrupt SLC2A10 protein function. In summary, the available evidence is currently insufficient to determine the role of this variant in disease. Therefore, it has been classified as a Variant of Uncertain Significance.

Women's Health and Genetics/Laboratory Corporation of America, LabCorp
Classification: Uncertain significance. Last evaluated: 2022-05-28. Review status: criteria provided, single submitter. Criteria: LabCorp Variant Classification Summary - May 2015. Collection method: clinical testing. Allele origin: germline.

CHEO Genetics Diagnostic Laboratory, Children's Hospital of Eastern Ontario
Classification: Uncertain significance for Familial thoracic aortic aneurysm and aortic dissection. Last evaluated: 2016-06-24. Review status: criteria provided, single submitter. Criteria: ACMG Guidelines, 2015. Collection method: clinical testing. Allele origin: germline. Study: Canadian Open Genetics Repository.